The following is an entry in ClinVar:

NM_138459.5(NUS1):c.565A>T (p.Lys189Ter)

Gene: NUS1 (NUS1 dehydrodolichyl diphosphate synthase subunit; plus strand). Cytogenetic location: 6q22.1.
Variant type: single nucleotide variant.
Coding change: c.565A>T on transcript NM_138459.5 (MANE Select); coding-DNA position 565, A replaced by T.
Protein change: p.Lys189Ter; replaces lysine 189 with a stop codon.
Molecular consequence: nonsense.
Genome position (GRCh38, 1-based): chr6:117,694,054, A>T. VCF-style: chr6-117694054-A-T. GRCh37 (hg19) VCF-style: chr6-118015217-A-T.
Other names: short protein forms K189*.
Identifiers: ClinVar variation 2822088 (VCV002822088.3), dbSNP rs2482015901, ClinGen allele CA365536954.

ClinVar aggregate classification (germline): Pathogenic (1 of 4 stars; one submission).

Conditions:
Congenital disorder of glycosylation, type Iaa. Also called: Congenital disorder of glycosylation, type 1aa. Identifiers: MedGen C4310727, MONDO:0014904, OMIM 617082.

Submission:

Labcorp Genetics (formerly Invitae), Labcorp
Classification: Pathogenic for Congenital disorder of glycosylation, type Iaa. Last evaluated: 2023-10-03. Review status: criteria provided, single submitter. Criteria: Invitae Variant Classification Sherloc (09022015). Collection method: clinical testing. Allele origin: germline.
Comment: This sequence change creates a premature translational stop signal (p.Lys189*) in the NUS1 gene. It is expected to result in an absent or disrupted protein product. Loss-of-function variants in NUS1 are known to be pathogenic (PMID: 29100083). This variant is not present in population databases (gnomAD no frequency). This variant has not been reported in the literature in individuals affected with NUS1-related conditions. For these reasons, this variant has been classified as Pathogenic.

Literature cited by the submitters: PubMed 29100083.